The following is an entry in ClinVar:

NM_001385012.1(NBEA):c.5468C>G (p.Ser1823Cys)

Gene: NBEA (neurobeachin; plus strand). Cytogenetic location: 13q13.3.
Variant type: single nucleotide variant.
Coding change: c.5468C>G on transcript NM_001385012.1 (MANE Select); coding-DNA position 5468, C replaced by G.
Protein change: p.Ser1823Cys; replaces serine 1823 with cysteine.
Molecular consequence: missense variant.
Genome position (GRCh38, 1-based): chr13:35,208,801, C>G. VCF-style: chr13-35208801-C-G. GRCh37 (hg19) VCF-style: chr13-35782938-C-G.
Other names: p.Ser1823Cys; c.5459C>G, p.Ser1820Cys (NM_001379245.1); c.5468C>G, p.Ser1823Cys (NM_015678.5); short protein forms S1820C, S1823C.
Identifiers: ClinVar variation 3058092 (VCV003058092.19), dbSNP rs201826208, ClinGen allele CA6947106.

ClinVar aggregate classification (germline): Likely benign. Review status: criteria provided, multiple submitters, no conflicts (2 of 4 stars). 5 submissions from 5 submitters: Likely benign (4). 1 of the submissions does not count toward it. Last evaluated 2026-03-01.

Conditions:
NBEA-related disorder. Also called: NBEA-related condition.

Allele frequency attached by ClinVar (database versions not stated): gnomAD 0.00025; TOPMed 0.00025; gnomAD exomes 0.00040; ExAC 0.00046; ESP Exome Variant Server 0.00051.
gnomAD v4.1: 611 of 1,609,676 alleles (0.038%); highest among the groups gnomAD compares: Middle Eastern, 0.05%; no homozygotes.

Submissions (5):

CeGaT Center for Human Genetics Tuebingen
Classification: Likely benign. Last evaluated: 2026-03-01. Review status: criteria provided, single submitter. Criteria: CeGaT Center For Human Genetics Tuebingen Variant Classification Criteria Version 2. Collection method: clinical testing. Allele origin: germline. Affected: yes. Observed: 2 variant alleles.
Comment: NBEA: BP1, BP4, BS2

Women's Health and Genetics/Laboratory Corporation of America, LabCorp
Classification: Likely benign. Last evaluated: 2026-01-20. Review status: criteria provided, single submitter. Criteria: LabCorp Variant Classification Summary - May 2015. Collection method: clinical testing. Allele origin: germline.
Comment: Variant summary: NBEA c.5468C>G (p.Ser1823Cys) results in a non-conservative amino acid change in the encoded protein sequence. Algorithms developed to predict the effect of missense changes on protein structure and function are either unavailable or do not agree on the potential impact of this missense change. The variant allele was found at a frequency of 0.00032 in 245542 control chromosomes (gnomAD). To our knowledge, no occurrence of c.5468C>G in individuals affected with NBEA-related conditions and no experimental evidence demonstrating its impact on protein function have been reported. ClinVar contains an entry for this variant (Variation ID: 3058092). Based on the evidence outlined above, the variant was classified as likely benign.

Mayo Clinic Laboratories, Mayo Clinic
Classification: Likely benign. Last evaluated: 2025-10-06. Review status: criteria provided, single submitter. Criteria: ACMG Guidelines, 2015. Collection method: clinical testing. Allele origin: germline. Observed: 1 variant allele.
Comment: BS1, BP4_moderate, PP2

Blueprint Genetics
Classification: Likely benign. Last evaluated: 2024-11-20. Review status: criteria provided, single submitter. Criteria: ACMG Guidelines, 2015. Collection method: clinical testing. Allele origin: germline.

PreventionGenetics, part of Exact Sciences
Classification: Likely benign for NBEA-related condition. Last evaluated: 2024-02-27. Review status: no assertion criteria provided. Collection method: clinical testing. Allele origin: germline. Not counted in ClinVar's aggregate classification.
Comment: This variant is classified as likely benign based on ACMG/AMP sequence variant interpretation guidelines (Richards et al. 2015 PMID: 25741868, with internal and published modifications).